The following is an entry in ClinVar:

NM_053025.4(MYLK):c.5515G>A (p.Glu1839Lys)

Genes: MYLK-AS1 (MYLK antisense RNA 1; plus strand), MYLK (myosin light chain kinase; minus strand). Cytogenetic location: 3q21.1.
Variant type: single nucleotide variant.
Coding change: c.5515G>A on transcript NM_053025.4 (MANE Select); coding-DNA position 5515, G replaced by A.
Protein change: p.Glu1839Lys; replaces glutamic acid 1839 with lysine.
Molecular consequence: missense variant.
Genome position (GRCh38, 1-based): chr3:123,614,335, C>T on the plus strand (G>A on the coding strand, the complement: MYLK is on the minus strand). VCF-style: chr3-123614335-C-T. GRCh37 (hg19) VCF-style: chr3-123333182-C-T.
Other names: c.4987G>A, p.Glu1663Lys (NM_001321309.2); c.5308G>A, p.Glu1770Lys (NM_053026.4); c.5362G>A, p.Glu1788Lys (NM_053027.4); c.5155G>A, p.Glu1719Lys (NM_053028.4); c.232G>A, p.Glu78Lys (NM_053031.4); c.235G>A, p.Glu79Lys (NM_053032.4); short protein forms E1719K, E1788K, E78K, E1770K, E79K, E1663K, E1839K.
Identifiers: ClinVar variation 1415062 (VCV001415062.8), dbSNP rs369358803, ClinGen allele CA82937752.

ClinVar aggregate classification (germline): Uncertain significance (1 of 4 stars; one submission).

Conditions:
Aortic aneurysm, familial thoracic 7 (AAT7). Also called: AORTIC DISSECTION, FAMILIAL, WITH OR WITHOUT AORTIC ANEURYSM. Identifiers: MedGen C3151077, MONDO:0013418, OMIM 613780.

Allele frequency attached by ClinVar (database versions not stated): gnomAD exomes below 0.00001; TOPMed below 0.00001; ESP Exome Variant Server 0.00008.

Submission:

Labcorp Genetics (formerly Invitae), Labcorp
Classification: Uncertain significance for Aortic aneurysm, familial thoracic 7. Last evaluated: 2021-02-09. Review status: criteria provided, single submitter. Criteria: Invitae Variant Classification Sherloc (09022015). Collection method: clinical testing. Allele origin: germline.
Comment: In summary, the available evidence is currently insufficient to determine the role of this variant in disease. Therefore, it has been classified as a Variant of Uncertain Significance. Advanced modeling of protein sequence and biophysical properties (such as structural, functional, and spatial information, amino acid conservation, physicochemical variation, residue mobility, and thermodynamic stability) performed at Invitae indicates that this missense variant is not expected to disrupt MYLK protein function. This variant has not been reported in the literature in individuals with MYLK-related conditions. This variant is not present in population databases (ExAC no frequency). This sequence change replaces glutamic acid with lysine at codon 1839 of the MYLK protein (p.Glu1839Lys). The glutamic acid residue is highly conserved and there is a small physicochemical difference between glutamic acid and lysine.